The following is an entry in ClinVar:

ClinVar aggregate classification (germline): Uncertain significance (1 of 4 stars; one submission).

gnomAD v4.1: 11 of 1,614,112 alleles (0.00068%); highest among the groups gnomAD compares: African/African-American, 0.0013%; no homozygotes.

Submission:

Labcorp Genetics (formerly Invitae), Labcorp
Classification: Uncertain significance. Last evaluated: 2024-03-04. Review status: criteria provided, single submitter. Criteria: Invitae Variant Classification Sherloc (09022015). Collection method: clinical testing. Allele origin: germline.
Comment: This sequence change replaces glutamic acid, which is acidic and polar, with lysine, which is basic and polar, at codon 1452 of the DNAH9 protein (p.Glu1452Lys). This variant is present in population databases (rs755374372, gnomAD 0.006%). This variant has not been reported in the literature in individuals affected with DNAH9-related conditions. Advanced modeling of protein sequence and biophysical properties (such as structural, functional, and spatial information, amino acid conservation, physicochemical variation, residue mobility, and thermodynamic stability) performed at Invitae indicates that this missense variant is not expected to disrupt DNAH9 protein function with a negative predictive value of 80%. In summary, the available evidence is currently insufficient to determine the role of this variant in disease. Therefore, it has been classified as a Variant of Uncertain Significance.

NM_001372.4(DNAH9):c.4354G>A (p.Glu1452Lys)

Gene: DNAH9 (dynein axonemal heavy chain 9; plus strand). Cytogenetic location: 17p12.
Variant type: single nucleotide variant.
Coding change: c.4354G>A on transcript NM_001372.4 (MANE Select); coding-DNA position 4354, G replaced by A.
Protein change: p.Glu1452Lys; replaces glutamic acid 1452 with lysine.
Molecular consequence: missense variant.
Genome position (GRCh38, 1-based): chr17:11,690,176, G>A. VCF-style: chr17-11690176-G-A. GRCh37 (hg19) VCF-style: chr17-11593493-G-A.
Other names: short protein forms E1452K.
Identifiers: ClinVar variation 3605838 (VCV003605838.2).